The following is an entry in ClinVar:

NM_003060.4(SLC22A5):c.1267+3_1267+24del

Gene: SLC22A5 (solute carrier family 22 member 5; plus strand). Cytogenetic location: 5q31.1.
Variant type: Deletion.
Coding change: c.1267+3_1267+24del on transcript NM_003060.4 (MANE Select); bases 3 to 24 of the intron after coding-DNA position 1267, 22 bases deleted (AGGGACCATGTGCATCTATGGT).
Molecular consequence: splice donor variant.
Genome position (GRCh38, 1-based): chr5:132,390,907-132,390,928, AGGGACCATGTGCATCTATGGT deleted; deleting any 22 consecutive bases within chr5:132,390,904-132,390,928 gives the same sequence; the c. name uses the placement nearest the transcript's 3' end. VCF-style (leftmost placement, unchanged base first): chr5-132390903-AGGTAGGGACCATGTGCATCTAT-A. GRCh37 (hg19) VCF-style: chr5-131726595-AGGTAGGGACCATGTGCATCTAT-A.
Other names: c.1339+3_1339+24del (NM_001308122.2).
Identifiers: ClinVar variation 552220 (VCV000552220.7), dbSNP rs1554088199, ClinGen allele CA658821386.

ClinVar aggregate classification (germline): Uncertain significance. Review status: criteria provided, single submitter (1 of 4 stars). 2 submissions from 2 submitters: Uncertain significance (1). 1 of the submissions does not count toward it. Last evaluated 2021-09-01.

Conditions:
Renal carnitine transport defect (CDSP). Also called: Systemic primary carnitine deficiency disease; CARNITINE DEFICIENCY, SYSTEMIC, DUE TO DEFECT IN RENAL REABSORPTION OF CARNITINE; CARNITINE TRANSPORTER, PLASMA-MEMBRANE, DEFICIENCY OF; CARNITINE UPTAKE DEFECT; Primary carnitine deficiency; Systemic primary carnitine deficiency. Identifiers: Orphanet 158, MedGen C0342788, MONDO:0008919, OMIM 212140.

Submissions (2):

Labcorp Genetics (formerly Invitae), Labcorp
Classification: Uncertain significance for Renal carnitine transport defect. Last evaluated: 2021-09-01. Review status: criteria provided, single submitter. Criteria: Invitae Variant Classification Sherloc (09022015). Collection method: clinical testing. Allele origin: germline.
Comment: This sequence change falls in intron 7 of the SLC22A5 gene. It does not directly change the encoded amino acid sequence of the SLC22A5 protein. It affects a nucleotide within the consensus splice site of the intron. This variant is not present in population databases (ExAC no frequency). This variant has been observed in individual(s) with clinical features of SLC22A5-related disease (PMID: 20574985). ClinVar contains an entry for this variant (Variation ID: 552220). Variants that disrupt the consensus splice site are a relatively common cause of aberrant splicing (PMID: 17576681, 9536098). Algorithms developed to predict the effect of sequence changes on RNA splicing suggest that this variant may disrupt the consensus splice site. In summary, the available evidence is currently insufficient to determine the role of this variant in disease. Therefore, it has been classified as a Variant of Uncertain Significance.

Counsyl
Classification: Uncertain significance for Renal carnitine transport defect. Last evaluated: 2017-05-30. Review status: no assertion criteria provided. Collection method: clinical testing. Allele origin: unknown. Not counted in ClinVar's aggregate classification.

Literature cited by the submitters: PubMed 20574985 (cited by Labcorp Genetics (formerly Invitae), Labcorp and Counsyl); PubMed 17576681 (cited by Labcorp Genetics (formerly Invitae), Labcorp); PubMed 9536098 (cited by Labcorp Genetics (formerly Invitae), Labcorp).